The following is an entry in ClinVar:

ClinVar aggregate classification (germline): Pathogenic. Review status: reviewed by expert panel (3 of 4 stars). 2 submissions from 2 submitters: Pathogenic (1). 1 of the submissions does not count toward it. Last evaluated 2016-09-08.

Conditions:
Breast-ovarian cancer, familial, susceptibility to, 1 (BROVCA1). Also called: OVARIAN CANCER, SUSCEPTIBILITY TO; BRCA1 Hereditary Breast and Ovarian Cancer. Identifiers: Orphanet 145, MedGen C2676676, MONDO:0011450, OMIM 604370. Disease mechanism: loss of function.

Submissions (2):

Evidence-based Network for the Interpretation of Germline Mutant Alleles (ENIGMA)
Classification: Pathogenic for Breast-ovarian cancer, familial, susceptibility to, 1. Last evaluated: 2016-09-08. Review status: reviewed by expert panel. Criteria: ENIGMA BRCA1/2 Classification Criteria (2015). Collection method: curation. Allele origin: germline.
Comment: Variant allele predicted to encode a truncated non-functional protein.

Sharing Clinical Reports Project (SCRP)
Classification: Pathogenic for Breast-ovarian cancer, familial 1. Last evaluated: 2011-08-17. Review status: no assertion criteria provided. Collection method: clinical testing. Allele origin: germline. Not counted in ClinVar's aggregate classification.

NM_007294.4(BRCA1):c.1854del (p.Arg618fs)

Gene: BRCA1 (BRCA1 DNA repair associated; minus strand). Cytogenetic location: 17q21.31.
Variant type: Deletion.
Coding change: c.1854del on transcript NM_007294.4 (MANE Select); coding-DNA position 1854, one base deleted (G; older notation c.1854delG).
Protein change: p.Arg618fs; shifts the reading frame from arginine 618.
Molecular consequence: frameshift variant. On other transcripts: intron variant (137).
Genome position (GRCh38, 1-based): chr17:43,093,677, C deleted on the plus strand (G on the coding strand, the reverse complement: BRCA1 is on the minus strand); the first of 2 consecutive C bases (chr17:43,093,677-43,093,678); deleting either gives the same sequence. VCF-style (leftmost placement, unchanged base first): chr17-43093676-GC-G. GRCh37 (hg19) VCF-style: chr17-41245693-GC-G.
Other names: 1973delG; c.1854delG (NM_007294.3); c.577+1067del (NM_001408513.1, NM_001408489.1, NM_001408479.1 and 9 more transcripts); c.520+1067del (NM_001408503.1, NM_001408505.1, NM_001408504.1); c.523+1067del (NM_001408500.1, NM_001408497.1, NM_001408496.1 and 3 more transcripts); c.646+1067del (NM_001408466.1, NM_001408452.1, NM_001408457.1 and 11 more transcripts); c.787+1067del (NM_001407973.1, NM_001408403.1, NM_001407983.1 and 19 more transcripts); c.404-2645del (NM_001408511.1); and 42 more; short protein forms R571fs, R618fs, R450fs, R490fs, R506fs, R548fs, R591fs, R615fs.
Identifiers: ClinVar variation 37431 (VCV000037431.3), dbSNP rs397507193, ClinGen allele CA001206.
Genomic context (GRCh38, chr17:43,093,676, plus strand): 5'-ATTCAGTACAATTAGGTGGGCTTAGATTTCTACTGACTACTAGTTCAAGCGCATGAATAT[GC>G]CTGGTAGAAGACTTCCTCCTCAGCCTATTCTTTTTAGGTGCTTTTGAATTGTGGATATTT-3'